The following is an entry in ClinVar:

ClinVar aggregate classification (germline): Uncertain significance. Review status: criteria provided, multiple submitters, no conflicts (2 of 4 stars). 4 submissions from 4 submitters: Uncertain significance (4). Last evaluated 2025-11-03.

Conditions:
Joubert syndrome. Also called: Familial aplasia of the vermis; JOUBERT-BOLTSHAUSER SYNDROME. Identifiers: Orphanet 475, MedGen C5979921, MONDO:0018772.
Meckel-Gruber syndrome. Also called: DYSENCEPHALIA SPLANCHNOCYSTICA; GRUBER SYNDROME; Dysencephalia splachnocystica. Identifiers: Orphanet 564, MedGen C0265215, MONDO:0018921.
Inborn genetic diseases. Identifiers: MedGen C0950123, MeSH D030342.

Allele frequency attached by ClinVar (database versions not stated): TOPMed below 0.00001; gnomAD exomes 0.00001; ExAC 0.00005; 1000 Genomes Project 30x 0.00016; 1000 Genomes Project 0.00020.

Submissions (4):

Ambry Genetics
Classification: Uncertain significance for Inborn genetic diseases. Last evaluated: 2025-11-03. Review status: criteria provided, single submitter. Criteria: Ambry Variant Classification Scheme 2023. Collection method: clinical testing. Allele origin: germline.

GeneDx
Classification: Uncertain significance. Last evaluated: 2024-12-05. Review status: criteria provided, single submitter. Criteria: GeneDx Variant Classification Process June 2021. Collection method: clinical testing. Allele origin: germline.
Comment: In silico analysis supports that this missense variant does not alter protein structure/function; Has not been previously published as pathogenic or benign to our knowledge

Blueprint Genetics
Classification: Uncertain significance. Last evaluated: 2024-08-14. Review status: criteria provided, single submitter. Criteria: ACMG Guidelines, 2015. Collection method: clinical testing. Allele origin: germline.

Labcorp Genetics (formerly Invitae), Labcorp
Classification: Uncertain significance for Joubert syndrome; Meckel-Gruber syndrome. Last evaluated: 2022-04-24. Review status: criteria provided, single submitter. Criteria: Invitae Variant Classification Sherloc (09022015). Collection method: clinical testing. Allele origin: germline.
Comment: This sequence change replaces threonine, which is neutral and polar, with isoleucine, which is neutral and non-polar, at codon 132 of the TCTN1 protein (p.Thr132Ile). This variant is present in population databases (rs571691679, gnomAD 0.04%). This variant has not been reported in the literature in individuals affected with TCTN1-related conditions. Algorithms developed to predict the effect of missense changes on protein structure and function are either unavailable or do not agree on the potential impact of this missense change (SIFT: "Deleterious"; PolyPhen-2: "Possibly Damaging"; Align-GVGD: "Class C15"). In summary, the available evidence is currently insufficient to determine the role of this variant in disease. Therefore, it has been classified as a Variant of Uncertain Significance.

NM_001082538.3(TCTN1):c.395C>T (p.Thr132Ile)

Gene: TCTN1 (tectonic family member 1; plus strand). Cytogenetic location: 12q24.11.
Variant type: single nucleotide variant.
Coding change: c.395C>T on transcript NM_001082538.3 (MANE Select); coding-DNA position 395, C replaced by T.
Protein change: p.Thr132Ile; replaces threonine 132 with isoleucine.
Molecular consequence: missense variant. On other transcripts: 5 prime UTR variant (1), non-coding transcript variant (1).
Genome position (GRCh38, 1-based): chr12:110,626,415, C>T. VCF-style: chr12-110626415-C-T. GRCh37 (hg19) VCF-style: chr12-111064220-C-T.
Other names: c.395C>T, p.Thr132Ile (NM_001082537.3, NM_001319680.2, NM_024549.6); c.227C>T, p.Thr76Ile (NM_001173975.3, NM_001319682.3); c.215C>T, p.Thr72Ile (NM_001173976.2); c.-313C>T (NM_001319681.2); c.395C>T (NM_001082538.2); short protein forms T76I, T132I, T72I.
Identifiers: ClinVar variation 1905672 (VCV001905672.5), dbSNP rs571691679, ClinGen allele CA6786549.